The following is an entry in ClinVar:

NM_152703.5(SAMD9L):c.1742C>G (p.Ser581Cys)

Gene: SAMD9L (sterile alpha motif domain containing 9 like; minus strand). Cytogenetic location: 7q21.2.
Variant type: single nucleotide variant.
Coding change: c.1742C>G on transcript NM_152703.5 (MANE Select); coding-DNA position 1742, C replaced by G.
Protein change: p.Ser581Cys; replaces serine 581 with cysteine.
Molecular consequence: missense variant.
Genome position (GRCh38, 1-based): chr7:93,134,230, G>C on the plus strand (C>G on the coding strand, the complement: SAMD9L is on the minus strand). VCF-style: chr7-93134230-G-C. GRCh37 (hg19) VCF-style: chr7-92763543-G-C.
Other names: c.1742C>G (NM_152703.2); c.1742C>G, p.Ser581Cys (NM_001303496.3, NM_001303497.3, NM_001303498.3 and 5 more transcripts); short protein forms S581C.
Identifiers: ClinVar variation 2860892 (VCV002860892.4), dbSNP rs1792301258, ClinGen allele CA368194870.
Genomic context (GRCh38, chr7:93,134,230, plus strand): 5'-TCCATCTTCATTCTTGTTTGTAGTAGATCTTTCCATCGTTGATAAATATGTGAGTTTACA[G>C]AGATACACAACATATTTTCCATTCCTTTGAGAGCTTGATAGAAAGCCCAGAAAGTTTCAA-3'
Protein context (NP_689916.2, residues 571-591): LKGMENMLCI[Ser581Cys]VNSHIYQRWK

ClinVar aggregate classification (germline): Conflicting classifications of pathogenicity. Review status: criteria provided, conflicting classifications (1 of 4 stars). 2 submissions from 2 submitters: Uncertain significance (1); Likely benign (1). Last evaluated 2026-09-04.

Conditions:
Inborn genetic diseases. Identifiers: MedGen C0950123, MeSH D030342.

Allele frequency attached by ClinVar (database versions not stated): TOPMed below 0.00001.

Submissions (2):

Ambry Genetics
Classification: Likely benign for Inborn genetic diseases. Last evaluated: 2026-09-04. Review status: criteria provided, single submitter. Criteria: Ambry Variant Classification Scheme 2023. Collection method: clinical testing. Allele origin: germline.

Labcorp Genetics (formerly Invitae), Labcorp
Classification: Uncertain significance. Last evaluated: 2023-04-30. Review status: criteria provided, single submitter. Criteria: Invitae Variant Classification Sherloc (09022015). Collection method: clinical testing. Allele origin: germline.
Comment: In summary, the available evidence is currently insufficient to determine the role of this variant in disease. Therefore, it has been classified as a Variant of Uncertain Significance. Algorithms developed to predict the effect of missense changes on protein structure and function output the following: SIFT: "Not Available"; PolyPhen-2: "Benign"; Align-GVGD: "Not Available". The cysteine amino acid residue is found in multiple mammalian species, which suggests that this missense change does not adversely affect protein function. This variant has not been reported in the literature in individuals affected with SAMD9L-related conditions. This variant is not present in population databases (gnomAD no frequency). This sequence change replaces serine, which is neutral and polar, with cysteine, which is neutral and slightly polar, at codon 581 of the SAMD9L protein (p.Ser581Cys).